The following is an entry in ClinVar:

NM_000051.4(ATM):c.4724G>T (p.Arg1575Leu)

Gene: ATM (ATM serine/threonine kinase; plus strand). Cytogenetic location: 11q22.3.
Variant type: single nucleotide variant.
Coding change: c.4724G>T on transcript NM_000051.4 (MANE Select); coding-DNA position 4724, G replaced by T.
Protein change: p.Arg1575Leu; replaces arginine 1575 with leucine.
Molecular consequence: missense variant.
Genome position (GRCh38, 1-based): chr11:108,293,425, G>T. VCF-style: chr11-108293425-G-T. GRCh37 (hg19) VCF-style: chr11-108164152-G-T.
Other names: c.4724G>T, p.Arg1575Leu (NM_001351834.2); short protein forms R1575L.
Identifiers: ClinVar variation 1742677 (VCV001742677.5), dbSNP rs550552791, ClinGen allele CA382534978.

ClinVar aggregate classification (germline): Uncertain significance. Review status: criteria provided, multiple submitters, no conflicts (2 of 4 stars). 2 submissions from 2 submitters: Uncertain significance (2). Last evaluated 2024-10-03.

Conditions:
Hereditary cancer-predisposing syndrome. Also called: Neoplastic Syndromes, Hereditary; Tumor predisposition; Hereditary Cancer Syndrome; Hereditary neoplastic syndrome. Identifiers: Orphanet 140162, MedGen C0027672, MeSH D009386, MONDO:0015356.
Ataxia-telangiectasia syndrome (AT). Also called: LOUIS-BAR SYNDROME; Cerebello-oculocutaneous telangiectasia; Immunodeficiency with ataxia telangiectasia; Ataxia-telangiectasia, complementation group D; AT, COMPLEMENTATION GROUP C; ATAXIA-TELANGIECTASIA, COMPLEMENTATION GROUP A. Identifiers: Orphanet 100, MedGen C0004135, MONDO:0008840, OMIM 208900.

Submissions (2):

Labcorp Genetics (formerly Invitae), Labcorp
Classification: Uncertain significance for Ataxia-telangiectasia syndrome. Last evaluated: 2024-10-03. Review status: criteria provided, single submitter. Criteria: Invitae Variant Classification Sherloc (09022015). Collection method: clinical testing. Allele origin: germline.
Comment: This sequence change replaces arginine, which is basic and polar, with leucine, which is neutral and non-polar, at codon 1575 of the ATM protein (p.Arg1575Leu). This variant is not present in population databases (gnomAD no frequency). This variant has not been reported in the literature in individuals affected with ATM-related conditions. ClinVar contains an entry for this variant (Variation ID: 1742677). An algorithm developed to predict the effect of missense changes on protein structure and function (PolyPhen-2) suggests that this variant is likely to be disruptive. In summary, the available evidence is currently insufficient to determine the role of this variant in disease. Therefore, it has been classified as a Variant of Uncertain Significance.

Ambry Genetics
Classification: Uncertain significance for Hereditary cancer-predisposing syndrome. Last evaluated: 2024-05-01. Review status: criteria provided, single submitter. Criteria: Ambry Variant Classification Scheme 2023. Collection method: clinical testing. Allele origin: germline.
Comment: The p.R1575L variant (also known as c.4724G>T), located in coding exon 30 of the ATM gene, results from a G to T substitution at nucleotide position 4724. The arginine at codon 1575 is replaced by leucine, an amino acid with dissimilar properties. This amino acid position is highly conserved in available vertebrate species. In addition, this alteration is predicted to be deleterious by in silico analysis. Based on the available evidence, the clinical significance of this variant remains unclear.